The following is an entry in ClinVar:

NM_005045.4(RELN):c.5336_5338dup (p.Asp1779_Ala1780insAsp)

Gene: RELN (reelin; minus strand). Cytogenetic location: 7q22.1.
Variant type: Duplication.
Coding change: c.5336_5338dup on transcript NM_005045.4 (MANE Select); coding-DNA positions 5336 to 5338, 3 bases duplicated (ATG; older notation c.5336_5338dupATG).
Protein change: p.Asp1779_Ala1780insAsp.
Genome position (GRCh38, 1-based): chr7:103,561,826-103,561,828, CAT duplicated on the plus strand (ATG on the coding strand, the reverse complement: RELN is on the minus strand); duplicating any 3 consecutive bases within chr7:103,561,826-103,561,830 gives the same sequence; the c. name uses the placement nearest the transcript's 3' end. VCF-style (leftmost placement, unchanged base first): chr7-103561825-G-GCAT. GRCh37 (hg19) VCF-style: chr7-103202272-G-GCAT.
Other names: c.5336_5338dup, p.Asp1779_Ala1780insAsp (NM_173054.3); c.5336_5338dupATG (NM_005045.4).
Identifiers: ClinVar variation 3895987 (VCV003895987.1).

ClinVar aggregate classification (germline): Uncertain significance (1 of 4 stars; one submission).

Submission:

Women's Health and Genetics/Laboratory Corporation of America, LabCorp
Classification: Uncertain significance. Last evaluated: 2025-03-24. Review status: criteria provided, single submitter. Criteria: LabCorp Variant Classification Summary - May 2015. Collection method: clinical testing. Allele origin: germline.
Comment: Variant summary: RELN c.5336_5338dupATG (p.Asp1779dup) results in an in-frame duplication that is predicted to duplicate *** amino acids into the encoded protein. The variant was absent in 251310 control chromosomes. The available data on variant occurrences in the general population are insufficient to allow any conclusion about variant significance. To our knowledge, no occurrence of c.5336_5338dupATG in individuals affected with Epilepsy Familial Temporal Lobe 7 and no experimental evidence demonstrating its impact on protein function have been reported. No submitters have cited clinical-significance assessments for this variant to ClinVar. Based on the evidence outlined above, the variant was classified as uncertain significance.